The following is an entry in ClinVar:

NM_001384474.1(LOXHD1):c.3748G>A (p.Gly1250Ser)

Gene: LOXHD1 (lipoxygenase homology PLAT domains 1; minus strand). Cytogenetic location: 18q21.1.
Variant type: single nucleotide variant.
Coding change: c.3748G>A on transcript NM_001384474.1 (MANE Select); coding-DNA position 3748, G replaced by A.
Protein change: p.Gly1250Ser; replaces glycine 1250 with serine.
Molecular consequence: missense variant.
Genome position (GRCh38, 1-based): chr18:46,542,727, C>T on the plus strand (G>A on the coding strand, the complement: LOXHD1 is on the minus strand). VCF-style: chr18-46542727-C-T. GRCh37 (hg19) VCF-style: chr18-44122690-C-T.
Other names: c.415G>A, p.Gly139Ser (NM_001145472.3); c.127G>A, p.Gly43Ser (NM_001308013.2); c.3748G>A, p.Gly1250Ser (NM_144612.7); short protein forms G139S, G1250S, G43S.
Identifiers: ClinVar variation 2799828 (VCV002799828.1), dbSNP rs2511718165, ClinGen allele CA402377803.

ClinVar aggregate classification (germline): Uncertain significance (1 of 4 stars; one submission).

Submission:

Labcorp Genetics (formerly Invitae), Labcorp
Classification: Uncertain significance. Last evaluated: 2023-12-21. Review status: criteria provided, single submitter. Criteria: Invitae Variant Classification Sherloc (09022015). Collection method: clinical testing. Allele origin: germline.
Comment: This sequence change replaces glycine, which is neutral and non-polar, with serine, which is neutral and polar, at codon 1250 of the LOXHD1 protein (p.Gly1250Ser). This variant also falls at the last nucleotide of exon 24, which is part of the consensus splice site for this exon. This variant is not present in population databases (gnomAD no frequency). This variant has not been reported in the literature in individuals affected with LOXHD1-related conditions. An algorithm developed to predict the effect of missense changes on protein structure and function (PolyPhen-2) suggests that this variant is likely to be disruptive. Variants that disrupt the consensus splice site are a relatively common cause of aberrant splicing (PMID: 17576681, 9536098). Algorithms developed to predict the effect of sequence changes on RNA splicing suggest that this variant may disrupt the consensus splice site. In summary, the available evidence is currently insufficient to determine the role of this variant in disease. Therefore, it has been classified as a Variant of Uncertain Significance.

Literature cited by the submitters: PubMed 17576681; PubMed 9536098.